The following is an entry in ClinVar:

ClinVar aggregate classification (germline): Uncertain significance (1 of 4 stars; one submission).

gnomAD v4.1: 7 of 1,612,792 alleles (0.00043%); highest among the groups gnomAD compares: African/African-American, 0.0093%; no homozygotes.

Submission:

Labcorp Genetics (formerly Invitae), Labcorp
Classification: Uncertain significance. Last evaluated: 2024-10-26. Review status: criteria provided, single submitter. Criteria: Invitae Variant Classification Sherloc (09022015). Collection method: clinical testing. Allele origin: germline.
Comment: This sequence change falls in intron 5 of the ZMIZ1 gene. It does not directly change the encoded amino acid sequence of the ZMIZ1 protein. It affects a nucleotide within the consensus splice site. This variant is not present in population databases (gnomAD no frequency). This variant has not been reported in the literature in individuals affected with ZMIZ1-related conditions. Variants that disrupt the consensus splice site are a relatively common cause of aberrant splicing (PMID: 17576681, 9536098). Algorithms developed to predict the effect of sequence changes on RNA splicing suggest that this variant is not likely to affect RNA splicing. In summary, the available evidence is currently insufficient to determine the role of this variant in disease. Therefore, it has been classified as a Variant of Uncertain Significance.

Literature cited by the submitters: PubMed 17576681; PubMed 9536098.

NM_020338.4(ZMIZ1):c.60+4G>T

Gene: ZMIZ1 (zinc finger MIZ-type containing 1; plus strand). Cytogenetic location: 10q22.3.
Variant type: single nucleotide variant.
Coding change: c.60+4G>T on transcript NM_020338.4 (MANE Select); 4 bases into the intron after coding-DNA position 60, G replaced by T.
Molecular consequence: intron variant.
Genome position (GRCh38, 1-based): chr10:79,201,696, G>T. VCF-style: chr10-79201696-G-T. GRCh37 (hg19) VCF-style: chr10-80961453-G-T.
Identifiers: ClinVar variation 3620669 (VCV003620669.2).